The following is an entry in ClinVar:

ClinVar aggregate classification (germline): Uncertain significance (1 of 4 stars; one submission).

Conditions:
Dilated cardiomyopathy 1J (CMD1J). Also called: CARDIOMYOPATHY, DILATED, WITH SENSORINEURAL HEARING LOSS, AUTOSOMAL DOMINANT. Identifiers: Orphanet 217622, MedGen C1854368, MONDO:0011541, OMIM 605362.

Allele frequency attached by ClinVar (database versions not stated): TOPMed below 0.00001.

Submission:

Labcorp Genetics (formerly Invitae), Labcorp
Classification: Uncertain significance for Dilated cardiomyopathy 1J. Last evaluated: 2023-08-11. Review status: criteria provided, single submitter. Criteria: Invitae Variant Classification Sherloc (09022015). Collection method: clinical testing. Allele origin: germline.
Comment: An algorithm developed to predict the effect of missense changes on protein structure and function (PolyPhen-2) suggests that this variant is likely to be tolerated. This sequence change replaces asparagine, which is neutral and polar, with serine, which is neutral and polar, at codon 8 of the EYA4 protein (p.Asn8Ser). This variant is not present in population databases (gnomAD no frequency). This variant has not been reported in the literature in individuals affected with EYA4-related conditions. In summary, the available evidence is currently insufficient to determine the role of this variant in disease. Therefore, it has been classified as a Variant of Uncertain Significance.

NM_004100.5(EYA4):c.23A>G (p.Asn8Ser)

Gene: EYA4 (EYA transcriptional coactivator and phosphatase 4; plus strand). Cytogenetic location: 6q23.2.
Variant type: single nucleotide variant.
Coding change: c.23A>G on transcript NM_004100.5 (MANE Select); coding-DNA position 23, A replaced by G.
Protein change: p.Asn8Ser; replaces asparagine 8 with serine.
Molecular consequence: missense variant.
Genome position (GRCh38, 1-based): chr6:133,274,803, A>G. VCF-style: chr6-133274803-A-G. GRCh37 (hg19) VCF-style: chr6-133595941-A-G.
Other names: c.23A>G, p.Asn8Ser (NM_001301012.2, NM_001301013.2, NM_001370458.1 and 3 more transcripts); short protein forms N8S.
Identifiers: ClinVar variation 2752214 (VCV002752214.3), dbSNP rs1777028540, ClinGen allele CA365837729.
Genomic context (GRCh38, chr6:133,274,803, plus strand): 5'-CTTCTACTTGGGAGTGGCAGGAGAAGTGAGAAAACCACATGGAAGACTCCCAGGATTTAA[A>G]TGAACAATCAGTAAGTCTTCATTCTCAGTTTTGCTGAAAAAAGTTGCGATAACACTACTG-3'
Protein context (NP_004091.3, residues 1-18): MEDSQDL[Asn8Ser]EQSVKKTCTE